The following is an entry in ClinVar:

NM_003383.5(VLDLR):c.821-1G>A

Gene: VLDLR (very low density lipoprotein receptor; plus strand). Cytogenetic location: 9p24.2.
Variant type: single nucleotide variant.
Coding change: c.821-1G>A on transcript NM_003383.5 (MANE Select); the canonical splice acceptor site of the intron before coding-DNA position 821, G replaced by A.
Molecular consequence: splice acceptor variant.
Genome position (GRCh38, 1-based): chr9:2,643,627, G>A. VCF-style: chr9-2643627-G-A. GRCh37 (hg19) VCF-style: chr9-2643627-G-A.
Other names: c.821-1G>A (NM_001018056.3); c.698-1G>A (NM_001322225.2, NM_001322226.2).
Identifiers: ClinVar variation 3255613 (VCV003255613.2).

ClinVar aggregate classification (germline): Pathogenic (1 of 4 stars; one submission).

Conditions:
Cerebellar ataxia, impaired intellectual development, and dysequilibrium syndrome 1. Also called: VLDLR Cerebellar Hypoplasia; CEREBELLAR ATAXIA AND MENTAL RETARDATION WITH OR WITHOUT QUADRUPEDAL LOCOMOTION 1; CEREBELLAR ATAXIA, CONGENITAL, AND MENTAL RETARDATION, AUTOSOMAL RECESSIVE; Cerebellar ataxia, mental retardation, and dysequilibrium syndrome 1; Cerebellar hypoplasia and mental retardation with or without quadrupedal locomotion 1; Cerebellar ataxia, intellectual disability, and dysequilibrium syndrome 1. Identifiers: Orphanet 1766, MedGen C4551552, MONDO:0024542, OMIM 224050.

Submission:

Breakthrough Genomics
Classification: Pathogenic for Cerebellar ataxia, impaired intellectual development, and dysequilibrium syndrome 1. Last evaluated: 2021-05-29. Review status: criteria provided, single submitter. Criteria: ACMG Guidelines, 2015. Collection method: clinical testing. Allele origin: germline. Affected: yes.
Comment: This variant lies in the essential splice acceptor site, in intron 5 of the VLDLR gene. In silico splice prediction tools (ASSP and NNSPLICE) suggest that this variant might affect splicing due to the loss of constitutive splice site and introduction of a new splice site, which in turn might lead to a frameshift and consequent premature termination of the protein; this will likely result in loss-of-function. The variant seems to be a novel variant, as it has not been previously reported in population or public databases or in the literature.